The following is an entry in ClinVar:

ClinVar aggregate classification (germline): Likely benign (1 of 4 stars; one submission).

Allele frequency attached by ClinVar (database versions not stated): gnomAD 0.00001; ExAC 0.00004; TOPMed 0.00004.
gnomAD v4.1: 26 of 1,613,848 alleles (0.0016%); highest among the groups gnomAD compares: South Asian, 0.015%; no homozygotes.

Submission:

CeGaT Center for Human Genetics Tuebingen
Classification: Likely benign. Last evaluated: 2023-02-01. Review status: criteria provided, single submitter. Criteria: CeGaT Center For Human Genetics Tuebingen Variant Classification Criteria Version 2. Collection method: clinical testing. Allele origin: germline. Affected: yes. Observed: 1 variant allele.
Comment: MASP1: BP4, BP7

NM_139125.4(MASP1):c.1090+2888C>T

Gene: MASP1 (MBL associated serine protease 1; minus strand). Cytogenetic location: 3q27.3.
Variant type: single nucleotide variant.
Coding change: c.1090+2888C>T on transcript NM_139125.4 (MANE Select); 2888 bases into the intron after coding-DNA position 1090, C replaced by T.
Molecular consequence: intron variant. On other transcripts: synonymous variant (1).
Genome position (GRCh38, 1-based): chr3:187,247,363, G>A on the plus strand (C>T on the coding strand, the complement: MASP1 is on the minus strand). VCF-style: chr3-187247363-G-A. GRCh37 (hg19) VCF-style: chr3-186965151-G-A.
Other names: c.1113C>T, p.Ser371= (NM_001031849.3); c.1090+2888C>T (NM_001879.6).
Identifiers: ClinVar variation 2654348 (VCV002654348.24), dbSNP rs767521730, ClinGen allele CA2749380.